The following is an entry in ClinVar:

ClinVar aggregate classification (germline): Uncertain significance. Review status: criteria provided, multiple submitters, no conflicts (2 of 4 stars). 3 submissions from 3 submitters: Uncertain significance (3). Last evaluated 2025-06-29.

Conditions:
Inborn genetic diseases. Identifiers: MedGen C0950123, MeSH D030342.

gnomAD v4.1: 11 of 1,614,122 alleles (0.00068%); highest among the groups gnomAD compares: Non-Finnish European, 0.00093%; no homozygotes.

Submissions (3):

Ambry Genetics
Classification: Uncertain significance for Inborn genetic diseases. Last evaluated: 2025-06-29. Review status: criteria provided, single submitter. Criteria: Ambry Variant Classification Scheme 2023. Collection method: clinical testing. Allele origin: germline.

GeneDx
Classification: Uncertain significance. Last evaluated: 2024-12-21. Review status: criteria provided, single submitter. Criteria: GeneDx Variant Classification Process June 2021. Collection method: clinical testing. Allele origin: germline.
Comment: Has not been previously published as pathogenic or benign to our knowledge; Not observed at significant frequency in large population cohorts (gnomAD); In silico analysis supports that this missense variant does not alter protein structure/function; Occurs in the triple helical domain at the Y position in the canonical Gly-X-Y repeat; although this variant may have an effect on normal protein folding and function, missense substitution at the Y position is not a common mechanism of disease

Labcorp Genetics (formerly Invitae), Labcorp
Classification: Uncertain significance. Last evaluated: 2022-10-07. Review status: criteria provided, single submitter. Criteria: Invitae Variant Classification Sherloc (09022015). Collection method: clinical testing. Allele origin: germline.
Comment: This sequence change replaces isoleucine, which is neutral and non-polar, with leucine, which is neutral and non-polar, at codon 962 of the COL4A1 protein (p.Ile962Leu). This variant is not present in population databases (gnomAD no frequency). This variant has not been reported in the literature in individuals affected with COL4A1-related conditions. Algorithms developed to predict the effect of missense changes on protein structure and function (SIFT, PolyPhen-2, Align-GVGD) all suggest that this variant is likely to be tolerated. In summary, the available evidence is currently insufficient to determine the role of this variant in disease. Therefore, it has been classified as a Variant of Uncertain Significance.

NM_001845.6(COL4A1):c.2884A>C (p.Ile962Leu)

Gene: COL4A1 (collagen type IV alpha 1 chain; minus strand). Cytogenetic location: 13q34.
Variant type: single nucleotide variant.
Coding change: c.2884A>C on transcript NM_001845.6 (MANE Select); coding-DNA position 2884, A replaced by C.
Protein change: p.Ile962Leu; replaces isoleucine 962 with leucine.
Molecular consequence: missense variant.
Genome position (GRCh38, 1-based): chr13:110,176,710, T>G on the plus strand (A>C on the coding strand, the complement: COL4A1 is on the minus strand). VCF-style: chr13-110176710-T-G. GRCh37 (hg19) VCF-style: chr13-110829057-T-G.
Other names: c.2884A>C (NM_001845.4); short protein forms I962L.
Identifiers: ClinVar variation 2103351 (VCV002103351.7), dbSNP rs139635854, ClinGen allele CA388666449.